The following is an entry in ClinVar:

ClinVar aggregate classification (germline): Benign/Likely benign. Review status: criteria provided, multiple submitters, no conflicts (2 of 4 stars). 5 submissions from 5 submitters: Benign (1); Likely benign (3). 1 of the submissions does not count toward it. Last evaluated 2026-02-01.

Conditions:
DOK7-related disorder. Also called: DOK7-related condition.
Congenital myasthenic syndrome 10. Also called: Myasthenia, limb-girdle, familial. Identifiers: Orphanet 590, MedGen C1850792, MONDO:0009690, OMIM 254300.
Fetal akinesia deformation sequence 1 (FADS1). Also called: Fetal akinesia sequence; Pena-Shokeir syndrome type I. Identifiers: Orphanet 994, MedGen C1276035, MONDO:0100101, OMIM 208150, HP:0001989.

Allele frequency attached by ClinVar (database versions not stated): 1000 Genomes Project 30x 0.00047; 1000 Genomes Project 0.00060; ExAC 0.00103; gnomAD exomes 0.00119; ESP Exome Variant Server 0.00205; gnomAD 0.00206 and 0.00227; TOPMed 0.00230.
gnomAD v4.1: 1,218 of 1,611,234 alleles (0.076%); highest among the groups gnomAD compares: African/African-American, 0.46%; 5 homozygotes.

Submissions (5):

Labcorp Genetics (formerly Invitae), Labcorp
Classification: Likely benign for Congenital myasthenic syndrome 10; Fetal akinesia deformation sequence 1. Last evaluated: 2026-02-01. Review status: criteria provided, single submitter. Criteria: Invitae Variant Classification Sherloc (09022015). Collection method: clinical testing. Allele origin: germline.

Mayo Clinic Laboratories, Mayo Clinic
Classification: Benign. Last evaluated: 2025-02-04. Review status: criteria provided, single submitter. Criteria: ACMG Guidelines, 2015. Collection method: clinical testing. Allele origin: germline. Observed: 1 variant allele.
Comment: BS1, BS2

Blueprint Genetics
Classification: Likely benign. Last evaluated: 2024-11-07. Review status: criteria provided, single submitter. Criteria: ACMG Guidelines, 2015. Collection method: clinical testing. Allele origin: germline.

GeneDx
Classification: Likely benign. Last evaluated: 2017-05-09. Review status: criteria provided, single submitter. Criteria: GeneDx Variant Classification (06012015). Collection method: clinical testing. Allele origin: germline. Affected: yes.
Comment: This variant is considered likely benign or benign based on one or more of the following criteria: it is a conservative change, it occurs at a poorly conserved position in the protein, it is predicted to be benign by multiple in silico algorithms, and/or has population frequency not consistent with disease.

PreventionGenetics, part of Exact Sciences
Classification: Benign for DOK7-related condition. Last evaluated: 2019-05-14. Review status: no assertion criteria provided. Collection method: clinical testing. Allele origin: germline. Not counted in ClinVar's aggregate classification.
Comment: This variant is classified as benign based on ACMG/AMP sequence variant interpretation guidelines (Richards et al. 2015 PMID: 25741868, with internal and published modifications).

NM_173660.5(DOK7):c.178G>A (p.Glu60Lys)

Gene: DOK7 (docking protein 7; plus strand). Cytogenetic location: 4p16.3.
Variant type: single nucleotide variant.
Coding change: c.178G>A on transcript NM_173660.5 (MANE Select); coding-DNA position 178, G replaced by A.
Protein change: p.Glu60Lys; replaces glutamic acid 60 with lysine.
Molecular consequence: missense variant. On other transcripts: intron variant (1).
Genome position (GRCh38, 1-based): chr4:3,473,483, G>A. VCF-style: chr4-3473483-G-A. GRCh37 (hg19) VCF-style: chr4-3475210-G-A.
Other names: p.Glu60Lys; c.178G>A, p.Glu60Lys (NM_001164673.2, NM_001301071.2); c.100+9932G>A (NM_001363811.2); short protein forms E60K.
Identifiers: ClinVar variation 465683 (VCV000465683.19), dbSNP rs199980106, ClinGen allele CA2828900.